The following is an entry in ClinVar:

ClinVar aggregate classification (germline): Benign. Review status: criteria provided, multiple submitters, no conflicts (2 of 4 stars). 3 submissions from 3 submitters: Benign (3). Last evaluated 2018-12-01.

Conditions:
Ulnar-mammary syndrome (UMS). Also called: SCHINZEL SYNDROME; Ulnar-mammary syndrome of Pallister; PALLISTER ULNAR-MAMMARY SYNDROME. Identifiers: Orphanet 3138, MedGen C1866994, MONDO:0008411, OMIM 181450.

Allele frequency attached by ClinVar (database versions not stated): TOPMed 0.14619; gnomAD exomes 0.15001; gnomAD 0.15221 and 0.15398; 1000 Genomes Project 30x 0.15740; 1000 Genomes Project 0.15915.
gnomAD v4.1: 108,248 of 720,482 alleles (15%); highest among the groups gnomAD compares: South Asian, 21%; 8,669 homozygotes.

Submissions (3):

GeneDx
Classification: Benign. Last evaluated: 2018-12-01. Review status: criteria provided, single submitter. Criteria: GeneDx Variant Classification Process June 2021. Collection method: clinical testing. Allele origin: germline. Affected: yes.

Illumina Laboratory Services, Illumina
Classification: Benign for Ulnar-mammary syndrome. Last evaluated: 2018-01-13. Review status: criteria provided, single submitter. Criteria: ICSL Variant Classification Criteria 13 December 2019. Collection method: clinical testing. Allele origin: germline.
Comment: This variant was observed in the ICSL laboratory as part of a predisposition screen in an ostensibly healthy population. It had not been previously curated by ICSL or reported in the Human Gene Mutation Database (HGMD: prior to June 1st, 2018), and was therefore a candidate for classification through an automated scoring system. Utilizing variant allele frequency, disease prevalence and penetrance estimates, and inheritance mode, an automated score was calculated to assess if this variant is too frequent to cause the disease. Based on the score and internal cut-off values, a variant classified as benign is not then subjected to further curation. The score for this variant resulted in a classification of benign for this disease.

Breakthrough Genomics
Classification: Benign. Review status: criteria provided, single submitter. Criteria: ACMG Guidelines, 2015. Collection method: not provided. Allele origin: germline. Inheritance: Autosomal dominant inheritance. Affected: yes.

NM_005996.4(TBX3):c.-198T>C

Genes: TBX3-AS1 (TBX3 antisense RNA 1; plus strand), TBX3 (T-box transcription factor 3; minus strand). Cytogenetic location: 12q24.21.
Variant type: single nucleotide variant.
Coding change: c.-198T>C on transcript NM_005996.4 (MANE Select); 198 bases upstream of the start codon, T replaced by C.
Molecular consequence: 5 prime UTR variant.
Genome position (GRCh38, 1-based): chr12:114,683,398, A>G on the plus strand (T>C on the coding strand, the complement: TBX3 is on the minus strand). VCF-style: chr12-114683398-A-G. GRCh37 (hg19) VCF-style: chr12-115121203-A-G.
Other names: c.-198T>C (NM_016569.4).
Identifiers: ClinVar variation 307384 (VCV000307384.8), dbSNP rs12366395, ClinGen allele CA10632114.